The following is an entry in ClinVar:

ClinVar aggregate classification (germline): Benign (1 of 4 stars; one submission).

Conditions:
Cleidocranial dysostosis (CLCD1). Also called: cleidocranial dysplasia 1; Marie-Sainton disease; Cleidocranial Dysplasia Spectrum Disorder. Identifiers: Orphanet 1452, MedGen C0008928, MONDO:0007340, OMIM 119600.

Allele frequency attached by ClinVar (database versions not stated): 1000 Genomes Project 0.00080; gnomAD 0.00088 and 0.00092; TOPMed 0.00098; 1000 Genomes Project 30x 0.00109.

Submission:

Illumina Laboratory Services, Illumina
Classification: Benign for Cleidocranial dysostosis. Last evaluated: 2018-01-13. Review status: criteria provided, single submitter. Criteria: ICSL Variant Classification Criteria 13 December 2019. Collection method: clinical testing. Allele origin: germline.
Comment: This variant was observed in the ICSL laboratory as part of a predisposition screen in an ostensibly healthy population. It had not been previously curated by ICSL or reported in the Human Gene Mutation Database (HGMD: prior to June 1st, 2018), and was therefore a candidate for classification through an automated scoring system. Utilizing variant allele frequency, disease prevalence and penetrance estimates, and inheritance mode, an automated score was calculated to assess if this variant is too frequent to cause the disease. Based on the score and internal cut-off values, a variant classified as benign is not then subjected to further curation. The score for this variant resulted in a classification of benign for this disease.

NM_001024630.4(RUNX2):c.*3030C>T

Gene: RUNX2 (RUNX family transcription factor 2; plus strand). Cytogenetic location: 6p21.1.
Variant type: single nucleotide variant.
Coding change: c.*3030C>T on transcript NM_001024630.4 (MANE Select); 3030 bases downstream of the stop codon, C replaced by T.
Molecular consequence: 3 prime UTR variant.
Genome position (GRCh38, 1-based): chr6:45,550,335, C>T. VCF-style: chr6-45550335-C-T. GRCh37 (hg19) VCF-style: chr6-45518072-C-T.
Other names: c.*3030C>T (NM_001015051.4, NM_001278478.2, NM_001369405.1).
Identifiers: ClinVar variation 357139 (VCV000357139.5), dbSNP rs145866183, ClinGen allele CA10622267.